The following is an entry in ClinVar:

NM_177438.3(DICER1):c.852_853del (p.Cys284_Asn285delinsTer)

Gene: DICER1 (dicer 1, ribonuclease III; minus strand). Cytogenetic location: 14q32.13.
Variant type: Deletion.
Coding change: c.852_853del on transcript NM_177438.3 (MANE Select); coding-DNA positions 852 to 853, 2 bases deleted (TA; older notation c.852_853delTA).
Protein change: p.Cys284_Asn285delinsTer.
Molecular consequence: nonsense. On other transcripts: frameshift variant (1), 5 prime UTR variant (1), non-coding transcript variant (6).
Genome position (GRCh38, 1-based): chr14:95,126,630-95,126,631, TA deleted on the plus strand (TA on the coding strand, the reverse complement: DICER1 is on the minus strand). VCF-style (leftmost placement, unchanged base first): chr14-95126629-TTA-T. GRCh37 (hg19) VCF-style: chr14-95592966-TTA-T.
Other names: c.852_853del, p.Cys284_Asn285delinsTer (NM_001195573.1, NM_001271282.3, NM_001291628.2 and 14 more transcripts); c.852_853delTA, p.Cys284Terfs (NM_001395681.1); c.570_571del, p.Cys190_Asn191delinsTer (NM_001395686.1); c.447_448del, p.Cys149_Asn150delinsTer (NM_001395687.1, NM_001395688.1, NM_001395689.1 and 3 more transcripts); c.285_286del, p.Cys95_Asn96delinsTer (NM_001395691.1); c.-717_-716del (NM_001395697.1).
Identifiers: ClinVar variation 2844402 (VCV002844402.3), dbSNP rs2543228849, ClinGen allele CA2739270821.
Genomic context (GRCh38, chr14:95,126,629, plus strand): 5'-TATATGCTTACCTGTTTCGAAATTAAAGTAGAATCTCTTTCTTTTGAATGTACAGATATA[TTA>T]CAATCATTGATAAAATTAAGTGCTTCTTCTAATTCCATCAGCAGTCTTTCATAAAGCCCA-3'

ClinVar aggregate classification (germline): Pathogenic (1 of 4 stars; one submission).

Conditions:
DICER1-related tumor predisposition. Also called: DICER1-related pleuropulmonary blastoma cancer predisposition syndrome; DICER1 syndrome. Identifiers: Orphanet 284343, MedGen C3839822, MONDO:0100216.

Submission:

Labcorp Genetics (formerly Invitae), Labcorp
Classification: Pathogenic for DICER1-related tumor predisposition. Last evaluated: 2023-11-18. Review status: criteria provided, single submitter. Criteria: Invitae Variant Classification Sherloc (09022015). Collection method: clinical testing. Allele origin: germline.
Comment: This sequence change creates a premature translational stop signal (p.Cys284*) in the DICER1 gene. It is expected to result in an absent or disrupted protein product. Loss-of-function variants in DICER1 are known to be pathogenic (PMID: 19556464, 21266384). This variant is not present in population databases (gnomAD no frequency). This variant has not been reported in the literature in individuals affected with DICER1-related conditions. For these reasons, this variant has been classified as Pathogenic.

Literature cited by the submitters: PubMed 19556464; PubMed 21266384.